The following is an entry in ClinVar:

ClinVar aggregate classification (germline): Uncertain significance. Review status: criteria provided, multiple submitters, no conflicts (2 of 4 stars). 2 submissions from 2 submitters: Uncertain significance (2). Last evaluated 2019-02-27.

Submissions (2):

Athena Diagnostics
Classification: Uncertain significance. Last evaluated: 2019-02-27. Review status: criteria provided, single submitter. Criteria: Athena Diagnostics Criteria. Collection method: clinical testing. Allele origin: germline.

ARUP Laboratories, Molecular Genetics and Genomics, ARUP Laboratories
Classification: Uncertain significance. Last evaluated: 2017-11-21. Review status: criteria provided, single submitter. Criteria: ARUP Molecular Germline Variant Investigation Process. Collection method: clinical testing. Allele origin: germline.
Comment: The MT-RNR1 m.1282G>A variant has not been reported in the medical literature, is not listed in gene-specific variant databases, nor has it been previously identified in our laboratory. It has been listed five times in the MITOMAP database in three different haplogroups, and the guanosine at nucleotide 1282 is not conserved (phyloP = -0.52; Alamut software v2.10.0). While the m.1282G>A variant has not been reported in association with disease, it is too rare to rule out a contribution a mitochondrial disorder.

NC_012920.1(MT-RNR1):m.1282G>A

Gene: MT-RNR1 (mitochondrially encoded 12S RNA; plus strand).
Variant type: single nucleotide variant.
Genome position: chrM-1282-G-A.
Identifiers: ClinVar variation 618730 (VCV000618730.9), dbSNP rs1569483805, ClinGen allele CA913161992.
Genomic context (GRCh38, chrMT:1,282, plus strand): 5'-ACCCCGATCAACCTCACCACCTCTTGCTCAGCCTATATACCGCCATCTTCAGCAAACCCT[G>A]ATGAAGGCTACAAAGTAAGCGCAAGTACCCACGTAAAGACGTTAGGTCAAGGTGTAGCCC-3'